The following is an entry in ClinVar:

ClinVar aggregate classification (germline): Uncertain significance (1 of 4 stars; one submission).

Allele frequency attached by ClinVar (database versions not stated): gnomAD exomes below 0.00001; gnomAD 0.00001; TOPMed 0.00001.
gnomAD v4.1: 9 of 1,614,074 alleles (0.00056%); highest among the groups gnomAD compares: Non-Finnish European, 0.00076%; no homozygotes.

Submission:

GeneDx
Classification: Uncertain significance. Last evaluated: 2017-04-07. Review status: criteria provided, single submitter. Criteria: GeneDx Variant Classification (06012015). Collection method: clinical testing. Allele origin: germline. Affected: yes.
Comment: A variant of uncertain significance has been identified in the MCPH1 gene. The P770L variant has not been published as a pathogenic variant, nor has it been reported as a benign variant to our knowledge. The P770L variant is not observed in large population cohorts (Lek et al., 2016; 1000 Genomes Consortium et al., 2015; Exome Variant Server). The P770L variant is a semi-conservative amino acid substitution, which may impact secondary protein structure as these residues differ in some properties. In silico analysis predicts this variant is probably damaging to the protein structure/function. However, this substitution occurs at a position that is not conserved. Therefore, based on the currently available information, it is unclear whether this variant is a pathogenic variant or a rare benign variant.

NM_024596.5(MCPH1):c.2309C>T (p.Pro770Leu)

Genes: MCPH1 (microcephalin 1; plus strand), MCPH1-AS1 (MCPH1 antisense RNA 1; minus strand). Cytogenetic location: 8p23.1.
Variant type: single nucleotide variant.
Coding change: c.2309C>T on transcript NM_024596.5 (MANE Select); coding-DNA position 2309, C replaced by T.
Protein change: p.Pro770Leu; replaces proline 770 with leucine.
Molecular consequence: missense variant. On other transcripts: non-coding transcript variant (1).
Genome position (GRCh38, 1-based): chr8:6,621,548, C>T. VCF-style: chr8-6621548-C-T. GRCh37 (hg19) VCF-style: chr8-6479069-C-T.
Other names: c.2309C>T, p.Pro770Leu (NM_001322042.2, NM_001363979.1); c.2030C>T, p.Pro677Leu (NM_001363980.2); short protein forms P770L, P677L.
Identifiers: ClinVar variation 426666 (VCV000426666.2), dbSNP rs1085307735, ClinGen allele CA370216364.